The following is an entry in ClinVar:

NM_000257.4(MYH7):c.1879G>A (p.Ala627Thr)

Gene: MYH7 (myosin heavy chain 7; minus strand). Cytogenetic location: 14q11.2.
Variant type: single nucleotide variant.
Coding change: c.1879G>A on transcript NM_000257.4 (MANE Select); coding-DNA position 1879, G replaced by A.
Protein change: p.Ala627Thr; replaces alanine 627 with threonine.
Molecular consequence: missense variant.
Genome position (GRCh38, 1-based): chr14:23,427,594, C>T on the plus strand (G>A on the coding strand, the complement: MYH7 is on the minus strand). VCF-style: chr14-23427594-C-T. GRCh37 (hg19) VCF-style: chr14-23896803-C-T.
Other names: short protein forms A627T.
Identifiers: ClinVar variation 921359 (VCV000921359.3), dbSNP rs1174863002, ClinGen allele CA389049630.

ClinVar aggregate classification (germline): Uncertain significance (1 of 4 stars; one submission).

Conditions:
Cardiomyopathy (CMYO). Also called: Cardiomyopathies. Identifiers: Orphanet 167848, MedGen C0878544, MONDO:0004994, HP:0001638. Inheritance: Various modes of inheritance.

gnomAD v4.1: 1 of 1,614,122 alleles (0.000062%); highest among the groups gnomAD compares: Non-Finnish European, 0.000085%; no homozygotes.

Submission:

Color Diagnostics, LLC DBA Color Health
Classification: Uncertain significance for Cardiomyopathy. Last evaluated: 2019-06-28. Review status: criteria provided, single submitter. Criteria: ACMG Guidelines, 2015. Collection method: clinical testing. Allele origin: germline.
Comment: This missense variant replaces alanine with threonine at codon 627 of the MYH7 protein. Computational prediction tools and conservation analyses are inconclusive regarding the impact of this variant on the protein function. Computational splicing tools suggest that this variant may not impact RNA splicing. To our knowledge, functional assays have not been performed for this variant nor has this variant been reported in individuals affected with cardiovascular disorders in the literature. This variant has not been identified in the general population by the Genome Aggregation Database (gnomAD). Available evidence is insufficient to determine the role of this variant in disease conclusively. Therefore, this variant is classified as a Variant of Uncertain Significance.